The following is an entry in ClinVar:

ClinVar aggregate classification (germline): Conflicting classifications of pathogenicity. Review status: criteria provided, conflicting classifications (1 of 4 stars). 3 submissions from 3 submitters: Uncertain significance (1); Likely benign (1). 1 of the submissions does not count toward it. Last evaluated 2025-11-01.

Conditions:
CARD8-related disorder. Also called: CARD8-related condition.

Allele frequency attached by ClinVar (database versions not stated): ExAC 0.00150; gnomAD exomes 0.00042; TOPMed 0.00046; gnomAD 0.00068; 1000 Genomes Project 30x 0.00078; 1000 Genomes Project 0.00080.
gnomAD v4.1: 700 of 1,536,262 alleles (0.046%); highest among the groups gnomAD compares: Middle Eastern, 0.52%; 3 homozygotes.

Submissions (3):

CeGaT Center for Human Genetics Tuebingen
Classification: Likely benign. Last evaluated: 2025-11-01. Review status: criteria provided, single submitter. Criteria: CeGaT Center For Human Genetics Tuebingen Variant Classification Criteria Version 2. Collection method: clinical testing. Allele origin: germline. Affected: yes. Observed: 1 variant allele.
Comment: CARD8: BP4, BS1

Ambry Genetics
Classification: Uncertain significance. Last evaluated: 2022-08-24. Review status: criteria provided, single submitter. Criteria: Ambry Variant Classification Scheme 2023. Collection method: clinical testing. Allele origin: germline.

PreventionGenetics, part of Exact Sciences
Classification: Likely benign for CARD8-related condition. Last evaluated: 2023-02-28. Review status: no assertion criteria provided. Collection method: clinical testing. Allele origin: germline. Not counted in ClinVar's aggregate classification.
Comment: This variant is classified as likely benign based on ACMG/AMP sequence variant interpretation guidelines (Richards et al. 2015 PMID: 25741868, with internal and published modifications).

NM_001184900.3(CARD8):c.118C>T (p.Arg40Trp)

Gene: CARD8 (caspase recruitment domain family member 8; minus strand). Cytogenetic location: 19q13.33.
Variant type: single nucleotide variant.
Coding change: c.118C>T on transcript NM_001184900.3 (MANE Select); coding-DNA position 118, C replaced by T.
Protein change: p.Arg40Trp; replaces arginine 40 with tryptophan.
Molecular consequence: missense variant. On other transcripts: 5 prime UTR variant (1), non-coding transcript variant (1), intron variant (11).
Genome position (GRCh38, 1-based): chr19:48,238,474, G>A on the plus strand (C>T on the coding strand, the complement: CARD8 is on the minus strand). VCF-style: chr19-48238474-G-A. GRCh37 (hg19) VCF-style: chr19-48741731-G-A.
Other names: c.118C>T, p.Arg40Trp (NM_001184902.2, NM_001184903.1, NM_001184904.2 and 1 more transcripts); c.-85C>T (NM_001351790.2); c.-66+2488C>T (NM_001351787.2, NM_001351791.2, NM_001351792.2 and 2 more transcripts); c.59+2488C>T (NM_001351788.2, NM_001351789.2, NM_014959.5 and 2 more transcripts); c.-280+2488C>T (NM_001351786.2); short protein forms R40W.
Identifiers: ClinVar variation 2353104 (VCV002353104.10), dbSNP rs138177358, ClinGen allele CA9548144.
Genomic context (GRCh38, chr19:48,238,474, plus strand): 5'-AAAAAATTCCAGTTTTTGTGTATTGCAGTTCCCGTATGCTATTGTCAACCAACAGTTTCC[G>A]TGATCCTTGTAGTCTAATGAGTTTGGATGCATCTATGTTCCTACTGGATCCACTGTCCCT-3'
Protein context (NP_001171829.1, residues 30-50): ASKLIRLQGS[Arg40Trp]KLLVDNSIRE